The following is an entry in ClinVar:

ClinVar aggregate classification (germline): Uncertain significance (1 of 4 stars; one submission).

Conditions:
Neuronal ceroid lipofuscinosis. Also called: Neuronal Ceroid Lipofuscinoses. Identifiers: Orphanet 216, Orphanet 79263, MedGen C0027877, MONDO:0016295. Disease mechanism: loss of function.

Allele frequency attached by ClinVar (database versions not stated): TOPMed 0.00001.

Submission:

Labcorp Genetics (formerly Invitae), Labcorp
Classification: Uncertain significance for Neuronal ceroid lipofuscinosis. Last evaluated: 2022-02-05. Review status: criteria provided, single submitter. Criteria: Invitae Variant Classification Sherloc (09022015). Collection method: clinical testing. Allele origin: germline.
Comment: This sequence change replaces arginine, which is basic and polar, with leucine, which is neutral and non-polar, at codon 392 of the CTSD protein (p.Arg392Leu). This variant is not present in population databases (gnomAD no frequency). This variant has not been reported in the literature in individuals affected with CTSD-related conditions. ClinVar contains an entry for this variant (Variation ID: 1018640). Algorithms developed to predict the effect of missense changes on protein structure and function (SIFT, PolyPhen-2, Align-GVGD) all suggest that this variant is likely to be tolerated. In summary, the available evidence is currently insufficient to determine the role of this variant in disease. Therefore, it has been classified as a Variant of Uncertain Significance.

NM_001909.5(CTSD):c.1175G>T (p.Arg392Leu)

Gene: CTSD (cathepsin D; minus strand). Cytogenetic location: 11p15.5.
Variant type: single nucleotide variant.
Coding change: c.1175G>T on transcript NM_001909.5 (MANE Select); coding-DNA position 1175, G replaced by T.
Protein change: p.Arg392Leu; replaces arginine 392 with leucine.
Molecular consequence: missense variant.
Genome position (GRCh38, 1-based): chr11:1,753,567, C>A on the plus strand (G>T on the coding strand, the complement: CTSD is on the minus strand). VCF-style: chr11-1753567-C-A. GRCh37 (hg19) VCF-style: chr11-1774797-C-A.
Other names: short protein forms R392L.
Identifiers: ClinVar variation 1018640 (VCV001018640.6), dbSNP rs374531851, ClinGen allele CA216168582.
Genomic context (GRCh38, chr11:1,753,567, plus strand): 5'-AGGCGGGCAGCCTCGGCGAAGCCCACCCTGTTGTTGTCACGGTCAAACACAGTGTAGTAG[C>A]GGCCGATGAAGACGTCGCCCAGGATCCAGAGTGGCCCGCTGGGTGGCGGGATGTCCATGC-3'
Protein context (NP_001900.1, residues 382-402): LWILGDVFIG[Arg392Leu]YYTVFDRDNN